The following is an entry in ClinVar:

NM_001368397.1(FRMPD4):c.1172A>G (p.Gln391Arg)

Gene: FRMPD4 (FERM and PDZ domain containing 4; plus strand). Cytogenetic location: Xp22.2.
Variant type: single nucleotide variant.
Coding change: c.1172A>G on transcript NM_001368397.1 (MANE Select); coding-DNA position 1172, A replaced by G.
Protein change: p.Gln391Arg; replaces glutamine 391 with arginine.
Molecular consequence: missense variant.
Genome position (GRCh38, 1-based): chrX:12,704,460, A>G. VCF-style: chrX-12704460-A-G. GRCh37 (hg19) VCF-style: chrX-12722579-A-G.
Other names: c.1283A>G, p.Gln428Arg (NM_001368395.3, NM_001368398.3); c.1178A>G, p.Gln393Arg (NM_001368396.3); c.1163A>G, p.Gln388Arg (NM_001368399.3); c.1052A>G, p.Gln351Arg (NM_001368400.3); c.1148A>G, p.Gln383Arg (NM_001368401.1, NM_001368402.3); c.1172A>G, p.Gln391Arg (NM_014728.3); short protein forms Q351R, Q383R, Q388R, Q391R, Q393R, Q428R.
Identifiers: ClinVar variation 1309265 (VCV001309265.3), dbSNP rs2147144484, ClinGen allele CA412008857.

ClinVar aggregate classification (germline): Uncertain significance (1 of 4 stars; one submission).

Submission:

GeneDx
Classification: Uncertain significance. Last evaluated: 2025-03-05. Review status: criteria provided, single submitter. Criteria: GeneDx Variant Classification Process June 2021. Collection method: clinical testing. Allele origin: germline. Affected: yes.
Comment: Not observed at significant frequency in large population cohorts (gnomAD); In silico analysis supports that this missense variant has a deleterious effect on protein structure/function; Has not been previously published as pathogenic or benign to our knowledge